The following is an entry in ClinVar:

ClinVar aggregate classification (germline): Uncertain significance (1 of 4 stars; one submission).

Allele frequency attached by ClinVar (database versions not stated): gnomAD 0.00001; gnomAD exomes 0.00001; ExAC 0.00002; TOPMed 0.00002.

Submission:

Labcorp Genetics (formerly Invitae), Labcorp
Classification: Uncertain significance. Last evaluated: 2025-10-11. Review status: criteria provided, single submitter. Criteria: Invitae Variant Classification Sherloc (09022015). Collection method: clinical testing. Allele origin: germline.
Comment: This sequence change replaces arginine, which is basic and polar, with histidine, which is basic and polar, at codon 757 of the TCIRG1 protein (p.Arg757His). This variant is present in population databases (rs755217536, gnomAD 0.007%). This variant has not been reported in the literature in individuals affected with TCIRG1-related conditions. ClinVar contains an entry for this variant (Variation ID: 2178327). Invitae Evidence Modeling of protein sequence and biophysical properties (such as structural, functional, and spatial information, amino acid conservation, physicochemical variation, residue mobility, and thermodynamic stability) indicates that this missense variant is not expected to disrupt TCIRG1 protein function with a negative predictive value of 80%. In summary, the available evidence is currently insufficient to determine the role of this variant in disease. Therefore, it has been classified as a Variant of Uncertain Significance.

NM_006019.4(TCIRG1):c.2270G>A (p.Arg757His)

Gene: TCIRG1 (T cell immune regulator 1, ATPase H+ transporting V0 subunit a3; plus strand). Cytogenetic location: 11q13.2.
Variant type: single nucleotide variant.
Coding change: c.2270G>A on transcript NM_006019.4 (MANE Select); coding-DNA position 2270, G replaced by A.
Protein change: p.Arg757His; replaces arginine 757 with histidine.
Molecular consequence: missense variant.
Genome position (GRCh38, 1-based): chr11:68,050,520, G>A. VCF-style: chr11-68050520-G-A. GRCh37 (hg19) VCF-style: chr11-67817987-G-A.
Other names: c.1376G>A, p.Arg459His (NM_001351059.2); c.1622G>A, p.Arg541His (NM_006053.4); short protein forms R459H, R757H, R541H.
Identifiers: ClinVar variation 2178327 (VCV002178327.2), dbSNP rs755217536, ClinGen allele CA6147477.